The following is an entry in ClinVar:

NM_000219.6(KCNE1):c.324C>T (p.Val108=)

Gene: KCNE1 (potassium voltage-gated channel subfamily E regulatory subunit 1; minus strand). Cytogenetic location: 21q22.12.
Variant type: single nucleotide variant.
Coding change: c.324C>T on transcript NM_000219.6 (MANE Select); coding-DNA position 324, C replaced by T.
Protein change: p.Val108=; no amino-acid change (valine 108 retained).
Molecular consequence: synonymous variant.
Genome position (GRCh38, 1-based): chr21:34,449,311, G>A on the plus strand (C>T on the coding strand, the complement: KCNE1 is on the minus strand). VCF-style: chr21-34449311-G-A. GRCh37 (hg19) VCF-style: chr21-35821609-G-A.
Other names: c.324C>T, p.Val108= (NM_001127668.4, NM_001127669.4, NM_001127670.4 and 4 more transcripts).
Identifiers: ClinVar variation 1156859 (VCV001156859.11), dbSNP rs200684060, ClinGen allele CA320425137.

ClinVar aggregate classification (germline): Likely benign (1 of 4 stars; one submission).

Conditions:
Long QT syndrome (LQTS). Identifiers: MedGen C0023976, MeSH D008133, MONDO:0002442. Disease mechanism: loss of function. Inheritance: Various modes of inheritance.

Allele frequency attached by ClinVar (database versions not stated): ExAC 0.00002; gnomAD exomes 0.00002; TOPMed 0.00002; gnomAD 0.00003 and 0.00004; 1000 Genomes Project 30x 0.00016; 1000 Genomes Project 0.00020.
gnomAD v4.1: 28 of 1,401,988 alleles (0.002%); highest among the groups gnomAD compares: African/African-American, 0.0074%; no homozygotes.

Submissions (2):

Labcorp Genetics (formerly Invitae), Labcorp
Classification: Likely benign for Long QT syndrome. Last evaluated: 2025-11-16. Review status: criteria provided, single submitter. Criteria: Invitae Variant Classification Sherloc (09022015). Collection method: clinical testing. Allele origin: germline.

Roden Lab, Vanderbilt University Medical Center
No classification provided (evidence only). Condition: Long QT syndrome 5. Review status: no classification provided. Collection method: in vitro. Allele origin: not applicable. Functional consequence: Effect on ion channel function. Not counted in ClinVar's aggregate classification.
ClinVar note: "not provided" was previously submitted as the classification for the variant. However, the classification appeared to be based only on an observation of functional data so it was converted to no classification on 2025-07-30.